The following is an entry in ClinVar:

ClinVar aggregate classification (germline): Uncertain significance. Review status: criteria provided, multiple submitters, no conflicts (2 of 4 stars). 3 submissions from 3 submitters: Uncertain significance (3). Last evaluated 2023-12-15.

Conditions:
Megaconial type congenital muscular dystrophy (MDCMC). Also called: CHKB-Related Muscular Dystrophy; CHKB-Related Muscle Diseases; MUSCULAR DYSTROPHY, CONGENITAL, WITH MITOCHONDRIAL STRUCTURAL ABNORMALITIES. Identifiers: Orphanet 280671, MedGen C1865233, MONDO:0011246, OMIM 602541.

Allele frequency attached by ClinVar (database versions not stated): TOPMed 0.00001; gnomAD exomes 0.00002.

Submissions (3):

Labcorp Genetics (formerly Invitae), Labcorp
Classification: Uncertain significance for Megaconial type congenital muscular dystrophy. Last evaluated: 2023-12-15. Review status: criteria provided, single submitter. Criteria: Invitae Variant Classification Sherloc (09022015). Collection method: clinical testing. Allele origin: germline.
Comment: This sequence change replaces proline, which is neutral and non-polar, with serine, which is neutral and polar, at codon 73 of the CHKB protein (p.Pro73Ser). This variant is not present in population databases (gnomAD no frequency). This variant has not been reported in the literature in individuals affected with CHKB-related conditions. ClinVar contains an entry for this variant (Variation ID: 218667). Advanced modeling of protein sequence and biophysical properties (such as structural, functional, and spatial information, amino acid conservation, physicochemical variation, residue mobility, and thermodynamic stability) performed at Invitae indicates that this missense variant is not expected to disrupt CHKB protein function with a negative predictive value of 80%. In summary, the available evidence is currently insufficient to determine the role of this variant in disease. Therefore, it has been classified as a Variant of Uncertain Significance.

GeneDx
Classification: Uncertain significance. Last evaluated: 2019-05-31. Review status: criteria provided, single submitter. Criteria: GeneDx Variant Classification Process June 2021. Collection method: clinical testing. Allele origin: germline. Affected: yes.
Comment: Has not been previously published as pathogenic or benign to our knowledge; Not observed in large population cohorts (Lek et al., 2016); In silico analysis, which includes protein predictors and evolutionary conservation, supports that this variant does not alter protein structure/function; Reported as a variant of uncertain significance in ClinVar but additional evidence is not available (SCV000258017.2; Landrum et al., 2016)

Genomic Diagnostic Laboratory, Division of Genomic Diagnostics, Children's Hospital of Philadelphia
Classification: Uncertain significance. Last evaluated: 2015-02-19. Review status: criteria provided, single submitter. Criteria: DGD Variant Analysis Guidelines. Collection method: clinical testing. Allele origin: unknown.

NM_005198.5(CHKB):c.217C>T (p.Pro73Ser)

Genes: CHKB-CPT1B (CHKB-CPT1B readthrough (NMD candidate); minus strand), CHKB (choline kinase beta; minus strand). Cytogenetic location: 22q13.33.
Variant type: single nucleotide variant.
Coding change: c.217C>T on transcript NM_005198.5 (MANE Select); coding-DNA position 217, C replaced by T.
Protein change: p.Pro73Ser; replaces proline 73 with serine.
Molecular consequence: missense variant. On other transcripts: non-coding transcript variant (1).
Genome position (GRCh38, 1-based): chr22:50,582,565, G>A on the plus strand (C>T on the coding strand, the complement: CHKB is on the minus strand). VCF-style: chr22-50582565-G-A. GRCh37 (hg19) VCF-style: chr22-51020994-G-A.
Other names: short protein forms P73S.
Identifiers: ClinVar variation 218667 (VCV000218667.6), dbSNP rs864309593, ClinGen allele CA249395.
Genomic context (GRCh38, chr22:50,582,565, plus strand): 5'-CTGACCCCTGACCCCGATCCGCGCACCGGAGAGGCTGACCCCTGACCTCCCACCTCACGG[G>A]GTAAACCCTCAGCTCCTCGGGCTGCACTCGGCGCCAGGCCCCGCCCAAGTACTCCCGGCA-3'
Protein context (NP_005189.2, residues 63-83): RVQPEELRVY[Pro73Ser]VSGGLSNLLF